The following is an entry in ClinVar:

ClinVar aggregate classification (germline): Uncertain significance (1 of 4 stars; one submission).

Submission:

GeneDx
Classification: Uncertain significance. Last evaluated: 2026-02-06. Review status: criteria provided, single submitter. Criteria: GeneDx Variant Classification Process June 2021. Collection method: clinical testing. Allele origin: germline. Affected: yes.
Comment: Frameshift variant predicted to result in protein truncation or nonsense mediated decay in a gene or region of a gene for which loss of function is not a well-established mechanism of disease; Not observed at significant frequency in large population cohorts (gnomAD); Has not been previously published as pathogenic or benign to our knowledge; Variants in candidate genes are classified as variants of uncertain significance in accordance with ACMG guidelines (PMID: 25741868)

NM_020824.4(ARHGAP21):c.1790_1791del (p.Arg597fs)

Gene: ARHGAP21 (Rho GTPase activating protein 21; minus strand). Cytogenetic location: 10p12.1.
Variant type: Deletion.
Coding change: c.1790_1791del on transcript NM_020824.4 (MANE Select); coding-DNA positions 1790 to 1791, 2 bases deleted (GA; older notation c.1790_1791delGA).
Protein change: p.Arg597fs; shifts the reading frame from arginine 597.
Molecular consequence: frameshift variant. On other transcripts: non-coding transcript variant (5).
Genome position (GRCh38, 1-based): chr10:24,620,104-24,620,105, TC deleted on the plus strand (GA on the coding strand, the reverse complement: ARHGAP21 is on the minus strand); deleting any 2 consecutive bases within chr10:24,620,104-24,620,106 gives the same sequence; the c. name uses the placement nearest the transcript's 3' end. VCF-style (leftmost placement, unchanged base first): chr10-24620103-TTC-T. GRCh37 (hg19) VCF-style: chr10-24909032-TTC-T.
Other names: c.1790_1791delGA (NM_020824.3); c.1760_1761del, p.Arg587fs (NM_001367447.1, NM_001367451.1, NM_001367453.1); c.1790_1791del, p.Arg597fs (NM_001367448.1, NM_001367454.1); c.1496_1497del, p.Arg499fs (NM_001367449.1, NM_001367450.1); c.1319_1320del, p.Arg440fs (NM_001367452.1); c.1151_1152del, p.Arg384fs (NM_001367455.1); short protein forms R384fs, R440fs, R597fs, R499fs, R587fs.
Identifiers: ClinVar variation 422106 (VCV000422106.5), dbSNP rs1064795561, ClinGen allele CA16618951.